The following is an entry in ClinVar:

ClinVar aggregate classification (germline): Likely pathogenic. Review status: criteria provided, multiple submitters, no conflicts (2 of 4 stars). 2 submissions from 2 submitters: Likely pathogenic (2). Last evaluated 2022-03-01.

Conditions:
Autosomal recessive nonsyndromic hearing loss 22. Identifiers: Orphanet 90636, MedGen C1846896, MONDO:0011762, OMIM 607039.

Submissions (2):

Baylor Genetics
Classification: Likely pathogenic for Autosomal recessive nonsyndromic hearing loss 22. Last evaluated: 2022-03-01. Review status: criteria provided, single submitter. Criteria: ACMG Guidelines, 2015. Collection method: clinical testing. Allele origin: unknown.

Wangler Lab, Baylor College of Medicine
Classification: Likely pathogenic for Autosomal recessive nonsyndromic hearing loss 22. Review status: criteria provided, single submitter. Criteria: ACMG Guidelines, 2015. Collection method: clinical testing. Allele origin: unknown. Inheritance: Autosomal recessive inheritance. Affected: yes. Observed: 1 compound heterozygote.
Comment: This OTOA frameshift variant at c.2352del (p.T785Lfs*80) was seen on exome through the Texome Project (R01HG011795). It is located in exon 22 of 29 and is predicted to be deleterious (PVS1). This change is not seen in gnomAD (PM2). We predict this variant to be likely pathogenic for autosomal recessive deafness.

NM_144672.4(OTOA):c.2352del (p.Thr785fs)

Gene: OTOA (otoancorin). Cytogenetic location: 16p12.2.
Variant type: Deletion.
Coding change: c.2352del on transcript NM_144672.4 (MANE Select); coding-DNA position 2352, one base deleted.
Protein change: p.Thr785fs; shifts the reading frame from threonine 785.
Molecular consequence: frameshift variant.
Genome position: GRCh38 VCF-style: chr16-21736308-GC-G. GRCh37 (hg19) VCF-style: chr16-21747629-GC-G.
Other names: c.2115del, p.Thr706fs (NM_001161683.2); c.1380del, p.Thr461fs (NM_170664.3); short protein forms T461fs, T706fs, T785fs.
Identifiers: ClinVar variation 1708204 (VCV001708204.3), dbSNP rs1212308982, ClinGen allele CA719052040.